The following is an entry in ClinVar:

NM_001267550.2(TTN):c.70200_70203dup (p.Ile23402fs)

Genes: TTN-AS1 (TTN antisense RNA 1; plus strand), TTN (titin; minus strand), LOC126806422 (BRD4-independent group 4 enhancer GRCh37_chr2:179440205-179441404; plus strand). Cytogenetic location: 2q31.2.
Variant type: Duplication.
Coding change: c.70200_70203dup on transcript NM_001267550.2 (MANE Select); coding-DNA positions 70200 to 70203, 4 bases duplicated (GATT; older notation c.70200_70203dupGATT).
Protein change: p.Ile23402fs; shifts the reading frame from isoleucine 23402.
Molecular consequence: frameshift variant.
Genome position (GRCh38, 1-based): chr2:178,575,929-178,575,932, AATC duplicated on the plus strand (GATT on the coding strand, the reverse complement: TTN is on the minus strand); duplicating any 4 consecutive bases within chr2:178,575,929-178,575,933 gives the same sequence; the c. name uses the placement nearest the transcript's 3' end. VCF-style (leftmost placement, unchanged base first): chr2-178575928-T-TAATC. GRCh37 (hg19) VCF-style: chr2-179440655-T-TAATC.
Other names: c.65277_65280dup, p.Ile21761fs (NM_001256850.1); c.43005_43008dup, p.Ile14337fs (NM_003319.4); c.62496_62499dup, p.Ile20834fs (NM_133378.4); c.43380_43383dup, p.Ile14462fs (NM_133432.3); c.43581_43584dup, p.Ile14529fs (NM_133437.4); short protein forms I14529fs, I14462fs, I21761fs, I23402fs, I14337fs, I20834fs.
Identifiers: ClinVar variation 4783603 (VCV004783603.1).

ClinVar aggregate classification (germline): Likely pathogenic (1 of 4 stars; one submission).

Conditions:
Dilated cardiomyopathy 1G (CMD1G). Identifiers: Orphanet 154, MedGen C1858763, MONDO:0011400, OMIM 604145.
Autosomal recessive limb-girdle muscular dystrophy type 2J (LGMDR10). Also called: Limb-girdle muscular dystrophy, type 2J; MUSCULAR DYSTROPHY, LIMB-GIRDLE, AUTOSOMAL RECESSIVE 10. Identifiers: Orphanet 140922, MedGen C1837342, MONDO:0012127, OMIM 608807.

Submission:

Labcorp Genetics (formerly Invitae), Labcorp
Classification: Likely pathogenic for Dilated cardiomyopathy 1G; Autosomal recessive limb-girdle muscular dystrophy type 2J. Last evaluated: 2026-01-19. Review status: criteria provided, single submitter. Criteria: Invitae Variant Classification Sherloc (09022015). Collection method: clinical testing. Allele origin: germline.
Comment: This sequence change creates a premature translational stop signal (p.Ile23402Aspfs*6) in the TTN gene. While this is not anticipated to result in nonsense mediated decay, it is expected to create a truncated TTN protein. This variant is not present in population databases (gnomAD no frequency). This premature translational stop signal has been observed in individual(s) with dilated cardiomyopathy (PMID: 27532257). This variant is located in the A band of TTN (PMID: 25589632). Truncating variants in this region are significantly overrepresented in patients affected with dilated cardiomyopathy (PMID: 25589632). Truncating variants in this region have also been reported in individuals affected with autosomal recessive centronuclear myopathy (PMID: 23975875). In summary, the currently available evidence indicates that the variant is pathogenic, but additional data are needed to prove that conclusively. Therefore, this variant has been classified as Likely Pathogenic.

Literature cited by the submitters: PubMed 27532257; PubMed 25589632; PubMed 23975875.